The following is an entry in ClinVar:

NM_001367916.1(MAGT1):c.14G>A (p.Trp5Ter)

Genes: MAGT1 (magnesium transporter 1; minus strand), LOC130068460 (ATAC-STARR-seq lymphoblastoid active region 29781; plus strand). Cytogenetic location: Xq21.1.
Variant type: single nucleotide variant.
Coding change: c.14G>A on transcript NM_001367916.1 (MANE Select); coding-DNA position 14, G replaced by A.
Protein change: p.Trp5Ter; replaces tryptophan 5 with a stop codon.
Molecular consequence: nonsense.
Genome position (GRCh38, 1-based): chrX:77,895,397, C>T on the plus strand (G>A on the coding strand, the complement: MAGT1 is on the minus strand). VCF-style: chrX-77895397-C-T. GRCh37 (hg19) VCF-style: chrX-77150894-C-T.
Other names: c.110G>A, p.Trp37Ter (NM_032121.5); short protein forms W37*, W5*.
Identifiers: ClinVar variation 419298 (VCV000419298.2), dbSNP rs200934080, ClinGen allele CA16621510.

ClinVar aggregate classification (germline): Pathogenic. Review status: criteria provided, single submitter (1 of 4 stars). 2 submissions from 2 submitters: Pathogenic (1). 1 of the submissions does not count toward it. Last evaluated 2015-07-14.

Conditions:
X-linked immunodeficiency with magnesium defect, Epstein-Barr virus infection and neoplasia. Identifiers: Orphanet 317476, MedGen C3275445, MONDO:0010455, OMIM 300853.

Submissions (2):

GeneDx
Classification: Pathogenic. Last evaluated: 2015-07-14. Review status: criteria provided, single submitter. Criteria: GeneDx Variant Classification (06012015). Collection method: clinical testing. Allele origin: germline. Affected: yes.
Comment: The W37X variant in the MAGT1 gene has not been reported previously as a pathogenic variant nor as a benign polymorphism, to our knowledge. This variant is predicted to cause loss ofnormal protein function either through protein truncation or nonsense-mediated mRNA decay. TheW37X variant was not observed in approximately 6,500 individuals of European and AfricanAmerican ancestry in the NHLBI Exome Sequencing Project, indicating it is not a common benignvariant in these populations. We interpret W37X as a pathogenic variant.

OMIM
Classification: Pathogenic for IMMUNODEFICIENCY, X-LINKED, WITH MAGNESIUM DEFECT, EPSTEIN-BARR VIRUS INFECTION, AND NEOPLASIA. Last evaluated: 2019-08-26. Review status: no assertion criteria provided. Collection method: literature only. Allele origin: germline. Not counted in ClinVar's aggregate classification.

Literature cited by the submitters: PubMed 24550228 (cited by OMIM).